The following is an entry in ClinVar:

ClinVar aggregate classification (germline): Uncertain significance (1 of 4 stars; one submission).

gnomAD v4.1: 2 of 1,613,456 alleles (0.00012%); highest among the groups gnomAD compares: Non-Finnish European, 0.00017%; no homozygotes.

Submission:

Labcorp Genetics (formerly Invitae), Labcorp
Classification: Uncertain significance. Last evaluated: 2023-03-17. Review status: criteria provided, single submitter. Criteria: Invitae Variant Classification Sherloc (09022015). Collection method: clinical testing. Allele origin: germline.
Comment: This sequence change replaces cysteine, which is neutral and slightly polar, with glycine, which is neutral and non-polar, at codon 156 of the NEUROG3 protein (p.Cys156Gly). This variant is not present in population databases (gnomAD no frequency). This variant has not been reported in the literature in individuals affected with NEUROG3-related conditions. Algorithms developed to predict the effect of missense changes on protein structure and function output the following: SIFT: "Not Available"; PolyPhen-2: "Benign"; Align-GVGD: "Not Available". The glycine amino acid residue is found in multiple mammalian species, which suggests that this missense change does not adversely affect protein function. In summary, the available evidence is currently insufficient to determine the role of this variant in disease. Therefore, it has been classified as a Variant of Uncertain Significance.

NM_020999.4(NEUROG3):c.466T>G (p.Cys156Gly)

Gene: NEUROG3 (neurogenin 3; minus strand). Cytogenetic location: 10q22.1.
Variant type: single nucleotide variant.
Coding change: c.466T>G on transcript NM_020999.4 (MANE Select); coding-DNA position 466, T replaced by G.
Protein change: p.Cys156Gly; replaces cysteine 156 with glycine.
Molecular consequence: missense variant.
Genome position (GRCh38, 1-based): chr10:69,572,578, A>C on the plus strand (T>G on the coding strand, the complement: NEUROG3 is on the minus strand). VCF-style: chr10-69572578-A-C. GRCh37 (hg19) VCF-style: chr10-71332334-A-C.
Other names: short protein forms C156G.
Identifiers: ClinVar variation 3004023 (VCV003004023.3), dbSNP rs2540709641, ClinGen allele CA376921853.